The following is an entry in ClinVar:

NM_015338.6(ASXL1):c.3540T>C (p.Asp1180=)

Gene: ASXL1 (ASXL transcriptional regulator 1; plus strand). Cytogenetic location: 20q11.21.
Variant type: single nucleotide variant.
Coding change: c.3540T>C on transcript NM_015338.6 (MANE Select); coding-DNA position 3540, T replaced by C.
Protein change: p.Asp1180=; no amino-acid change (aspartic acid 1180 retained).
Molecular consequence: synonymous variant.
Genome position (GRCh38, 1-based): chr20:32,436,252, T>C. VCF-style: chr20-32436252-T-C. GRCh37 (hg19) VCF-style: chr20-31024055-T-C.
Other names: c.3357T>C, p.Asp1119= (NM_001363734.1).
Identifiers: ClinVar variation 736817 (VCV000736817.15), dbSNP rs148597247, ClinGen allele CA9808849.
Genomic context (GRCh38, chr20:32,436,252, plus strand): 5'-CATGGTTGATGGAAGCAGCCCCAGTTCTTTAAGGGCTTTGAAGGAGCCTCTTCTGCCAGA[T>C]AGCTGTGAAACAGGCACTGGTCTTGCCAGGATTGAGGCCACCCAGGCTCCTGGAGCACCC-3'
Protein context (NP_056153.2, residues 1170-1190): LRALKEPLLP[Asp1180=]SCETGTGLAR

ClinVar aggregate classification (germline): Benign/Likely benign. Review status: criteria provided, multiple submitters, no conflicts (2 of 4 stars). 5 submissions from 5 submitters: Benign (2); Likely benign (3). Last evaluated 2026-04-01.

Conditions:
Inborn genetic diseases. Identifiers: MedGen C0950123, MeSH D030342.
Bohring-Opitz syndrome. Also called: BOHRING SYNDROME; OPITZ TRIGONOCEPHALY-LIKE SYNDROME; ASXL1-Related Bohring-Opitz Syndrome; C-LIKE SYNDROME. Identifiers: Orphanet 97297, MedGen C0796232, MONDO:0011510, OMIM 605039.

Allele frequency attached by ClinVar (database versions not stated): gnomAD 0.00010; TOPMed 0.00023; 1000 Genomes Project 0.00040; 1000 Genomes Project 30x 0.00047; ESP Exome Variant Server 0.00054.
gnomAD v4.1: 57 of 1,614,214 alleles (0.0035%); highest among the groups gnomAD compares: African/African-American, 0.068%; 1 homozygote.

Submissions (5):

CeGaT Center for Human Genetics Tuebingen
Classification: Likely benign. Last evaluated: 2026-04-01. Review status: criteria provided, single submitter. Criteria: CeGaT Center For Human Genetics Tuebingen Variant Classification Criteria Version 2. Collection method: clinical testing. Allele origin: germline. Affected: yes. Observed: 1 variant allele.
Comment: ASXL1: BP4, BP7

Labcorp Genetics (formerly Invitae), Labcorp
Classification: Likely benign. Last evaluated: 2025-10-27. Review status: criteria provided, single submitter. Criteria: Invitae Variant Classification Sherloc (09022015). Collection method: clinical testing. Allele origin: germline.

Ambry Genetics
Classification: Likely benign for Inborn genetic diseases. Last evaluated: 2024-10-17. Review status: criteria provided, single submitter. Criteria: Ambry Variant Classification Scheme 2023. Collection method: clinical testing. Allele origin: germline.

Genome-Nilou Lab
Classification: Benign for Bohring-Opitz syndrome. Last evaluated: 2021-12-05. Review status: criteria provided, single submitter. Criteria: ACMG Guidelines, 2015. Collection method: clinical testing. Allele origin: germline. Affected: no.

GeneDx
Classification: Benign. Last evaluated: 2021-06-16. Review status: criteria provided, single submitter. Criteria: GeneDx Variant Classification Process June 2021. Collection method: clinical testing. Allele origin: germline. Affected: yes.